The following is an entry in ClinVar:

NM_004973.4(JARID2):c.990_992del (p.Ser331del)

Gene: JARID2 (jumonji and AT-rich interaction domain containing 2; plus strand). Cytogenetic location: 6p22.3.
Variant type: Deletion.
Coding change: c.990_992del on transcript NM_004973.4 (MANE Select); coding-DNA positions 990 to 992, 3 bases deleted (TTC; older notation c.990_992delTTC).
Protein change: p.Ser331del; deletes serine 331.
Genome position (GRCh38, 1-based): chr6:15,496,215-15,496,217, TTC deleted; deleting any 3 consecutive bases within chr6:15,496,214-15,496,217 gives the same sequence; the c. name uses the placement nearest the transcript's 3' end. VCF-style (leftmost placement, unchanged base first): chr6-15496213-CCTT-C. GRCh37 (hg19) VCF-style: chr6-15496444-CCTT-C.
Other names: c.474_476del, p.Ser159del (NM_001267040.1); short protein forms S159del, S331del.
Identifiers: ClinVar variation 3772199 (VCV003772199.13).

ClinVar aggregate classification (germline): Uncertain significance (1 of 4 stars; one submission).

Submission:

CeGaT Center for Human Genetics Tuebingen
Classification: Uncertain significance. Last evaluated: 2025-01-01. Review status: criteria provided, single submitter. Criteria: CeGaT Center For Human Genetics Tuebingen Variant Classification Criteria Version 2. Collection method: clinical testing. Allele origin: germline. Affected: yes. Observed: 1 variant allele.
Comment: JARID2: PM2, PM4:Supporting